The following is an entry in ClinVar:

NM_004211.5(SLC6A5):c.1426T>A (p.Phe476Ile)

Gene: SLC6A5 (solute carrier family 6 member 5; plus strand). Cytogenetic location: 11p15.1.
Variant type: single nucleotide variant.
Coding change: c.1426T>A on transcript NM_004211.5 (MANE Select); coding-DNA position 1426, T replaced by A.
Protein change: p.Phe476Ile; replaces phenylalanine 476 with isoleucine.
Molecular consequence: missense variant.
Genome position (GRCh38, 1-based): chr11:20,628,010, T>A. VCF-style: chr11-20628010-T-A. GRCh37 (hg19) VCF-style: chr11-20649556-T-A.
Other names: c.724T>A, p.Phe242Ile (NM_001318369.2); short protein forms F242I, F476I.
Identifiers: ClinVar variation 1437725 (VCV001437725.6), dbSNP rs1853033716, ClinGen allele CA379917226.

ClinVar aggregate classification (germline): Uncertain significance (1 of 4 stars; one submission).

Conditions:
Hyperekplexia 3 (HKPX3). Also called: HYPEREKPLEXIA 3, AUTOSOMAL RECESSIVE; HYPEREKPLEXIA 3, AUTOSOMAL DOMINANT. Identifiers: Orphanet 3197, MedGen C3553288, MONDO:0013827, OMIM 614618.

Allele frequency attached by ClinVar (database versions not stated): gnomAD 0.00001.
gnomAD v4.1: 1 of 1,614,052 alleles (0.000062%); highest among the groups gnomAD compares: Admixed American, 0.0017%; no homozygotes.

Submission:

Labcorp Genetics (formerly Invitae), Labcorp
Classification: Uncertain significance for Hyperekplexia 3. Last evaluated: 2021-12-03. Review status: criteria provided, single submitter. Criteria: Invitae Variant Classification Sherloc (09022015). Collection method: clinical testing. Allele origin: germline.
Comment: This variant has not been reported in the literature in individuals affected with SLC6A5-related conditions. In summary, the available evidence is currently insufficient to determine the role of this variant in disease. Therefore, it has been classified as a Variant of Uncertain Significance. Algorithms developed to predict the effect of missense changes on protein structure and function are either unavailable or do not agree on the potential impact of this missense change (SIFT: "Deleterious"; PolyPhen-2: "Possibly Damaging"; Align-GVGD: "Class C15"). This variant is not present in population databases (gnomAD no frequency). This sequence change replaces phenylalanine, which is neutral and non-polar, with isoleucine, which is neutral and non-polar, at codon 476 of the SLC6A5 protein (p.Phe476Ile).